The following is an entry in ClinVar:

NM_152564.5(VPS13B):c.3832A>C (p.Thr1278Pro)

Gene: VPS13B (vacuolar protein sorting 13 homolog B; plus strand). Cytogenetic location: 8q22.2.
Variant type: single nucleotide variant.
Coding change: c.3832A>C on transcript NM_152564.5 (MANE Select); coding-DNA position 3832, A replaced by C.
Protein change: p.Thr1278Pro; replaces threonine 1278 with proline.
Molecular consequence: missense variant.
Genome position (GRCh38, 1-based): chr8:99,481,764, A>C. VCF-style: chr8-99481764-A-C. GRCh37 (hg19) VCF-style: chr8-100493992-A-C.
Other names: c.3832A>C, p.Thr1278Pro (NM_017890.5); short protein forms T1278P.
Identifiers: ClinVar variation 1001296 (VCV001001296.10), dbSNP rs1820050200, ClinGen allele CA371866984.
Genomic context (GRCh38, chr8:99,481,764, plus strand): 5'-GGGCCTGTTCCTACTTCTCCAGTTAGAAGCAGTATAGGCACAGCTCCTCCAGATACCAGC[A>C]CATGCAGCCCATCTGCTGACATTGGGACTACTACTGAGGTAAGTGTTTTTGAAAATCCTG-3'
Protein context (NP_689777.3, residues 1268-1288): SIGTAPPDTS[Thr1278Pro]CSPSADIGTT

ClinVar aggregate classification (germline): Uncertain significance. Review status: criteria provided, single submitter (1 of 4 stars). 2 submissions from 2 submitters: Uncertain significance (1). 1 of the submissions does not count toward it. Last evaluated 2023-07-07.

Conditions:
Cohen syndrome (COH1). Also called: PEPPER SYNDROME; Cutis verticis gyrata, retinitis pigmentosa, and sensorineural deafness. Identifiers: Orphanet 193, MedGen C0265223, MONDO:0008999, OMIM 216550.

Submissions (2):

Labcorp Genetics (formerly Invitae), Labcorp
Classification: Uncertain significance for Cohen syndrome. Last evaluated: 2023-07-07. Review status: criteria provided, single submitter. Criteria: Invitae Variant Classification Sherloc (09022015). Collection method: clinical testing. Allele origin: germline.
Comment: Advanced modeling of protein sequence and biophysical properties (such as structural, functional, and spatial information, amino acid conservation, physicochemical variation, residue mobility, and thermodynamic stability) performed at Invitae indicates that this missense variant is expected to disrupt VPS13B protein function. In summary, the available evidence is currently insufficient to determine the role of this variant in disease. Therefore, it has been classified as a Variant of Uncertain Significance. This variant has not been reported in the literature in individuals affected with VPS13B-related conditions. ClinVar contains an entry for this variant (Variation ID: 1001296). This sequence change replaces threonine, which is neutral and polar, with proline, which is neutral and non-polar, at codon 1278 of the VPS13B protein (p.Thr1278Pro). This variant is not present in population databases (gnomAD no frequency).

Natera, Inc.
Classification: Uncertain significance for Cohen syndrome. Last evaluated: 2020-08-10. Review status: no assertion criteria provided. Collection method: clinical testing. Allele origin: germline. Not counted in ClinVar's aggregate classification.